The following is an entry in ClinVar:

NM_004329.3(BMPR1A):c.68-10T>C

Gene: BMPR1A (bone morphogenetic protein receptor type 1A; plus strand). Cytogenetic location: 10q23.2.
Variant type: single nucleotide variant.
Coding change: c.68-10T>C on transcript NM_004329.3 (MANE Select); 10 bases into the intron before coding-DNA position 68, T replaced by C.
Molecular consequence: intron variant.
Genome position (GRCh38, 1-based): chr10:86,890,052, T>C. VCF-style: chr10-86890052-T-C. GRCh37 (hg19) VCF-style: chr10-88649809-T-C.
Identifiers: ClinVar variation 1950178 (VCV001950178.6), dbSNP rs2133394136, ClinGen allele CA2580082067.

ClinVar aggregate classification (germline): Likely benign. Review status: criteria provided, multiple submitters, no conflicts (2 of 4 stars). 2 submissions from 2 submitters: Likely benign (2). Last evaluated 2024-07-31.

Conditions:
Juvenile polyposis syndrome (JPS). Identifiers: Orphanet 2929, MedGen C0345893, MONDO:0017380, OMIM 174900.

Submissions (2):

Myriad Genetics, Inc.
Classification: Likely benign for Juvenile polyposis syndrome. Last evaluated: 2024-07-31. Review status: criteria provided, single submitter. Criteria: Myriad Autosomal Dominant, Autosomal Recessive and X-Linked Classification Criteria (2023). Collection method: clinical testing. Allele origin: unknown.
Comment: This variant is considered likely benign. This variant is intronic and is not expected to impact mRNA splicing.

Labcorp Genetics (formerly Invitae), Labcorp
Classification: Likely benign for Juvenile polyposis syndrome. Last evaluated: 2022-03-03. Review status: criteria provided, single submitter. Criteria: Invitae Variant Classification Sherloc (09022015). Collection method: clinical testing. Allele origin: germline.